The following is an entry in ClinVar:

ClinVar aggregate classification (germline): Uncertain significance. Review status: criteria provided, single submitter (1 of 4 stars). 2 submissions from 2 submitters: Uncertain significance (1). 1 of the submissions does not count toward it. Last evaluated 2019-12-02.

Conditions:
Radial aplasia-thrombocytopenia syndrome (TAR). Also called: Thrombocytopenia Absent Radius Syndrome; TAR syndrome. Identifiers: Orphanet 3320, MedGen C0175703, MeSH C536940, MONDO:0010121, OMIM 274000.
RBM8A-related disorder. Also called: RBM8A-related condition.

Allele frequency attached by ClinVar (database versions not stated): TOPMed below 0.00001; gnomAD exomes 0.00003 and 0.00006; ExAC 0.00006.
gnomAD v4.1: 50 of 1,613,284 alleles (0.0031%); highest among the groups gnomAD compares: South Asian, 0.054%; no homozygotes.

Submissions (2):

Labcorp Genetics (formerly Invitae), Labcorp
Classification: Uncertain significance for Radial aplasia-thrombocytopenia syndrome. Last evaluated: 2019-12-02. Review status: criteria provided, single submitter. Criteria: Invitae Variant Classification Sherloc (09022015). Collection method: clinical testing. Allele origin: germline.
Comment: This sequence change falls in intron 1 of the RBM8A gene. It does not directly change the encoded amino acid sequence of the RBM8A protein, but it affects a nucleotide within the consensus splice site of the intron. This variant is present in population databases (rs782317879, ExAC 0.04%). In summary, the available evidence is currently insufficient to determine the role of this variant in disease. Therefore, it has been classified as a Variant of Uncertain Significance. Nucleotide substitutions within the consensus splice site are a relatively common cause of aberrant splicing (PMID: 17576681, 9536098). Algorithms developed to predict the effect of sequence changes on RNA splicing suggest that this variant is not likely to affect RNA splicing, but this prediction has not been confirmed by published transcriptional studies. This variant has not been reported in the literature in individuals with RBM8A-related conditions.

PreventionGenetics, part of Exact Sciences
Classification: Likely benign for RBM8A-related condition. Last evaluated: 2024-07-08. Review status: no assertion criteria provided. Collection method: clinical testing. Allele origin: germline. Not counted in ClinVar's aggregate classification.
Comment: This variant is classified as likely benign based on ACMG/AMP sequence variant interpretation guidelines (Richards et al. 2015 PMID: 25741868, with internal and published modifications).

Literature cited by the submitters: PubMed 17576681 (cited by Labcorp Genetics (formerly Invitae), Labcorp); PubMed 9536098 (cited by Labcorp Genetics (formerly Invitae), Labcorp).

NM_005105.5(RBM8A):c.68-3C>T

Genes: LIX1L-AS1 (LIX1L antisense RNA 1; plus strand), RBM8A (RNA binding motif protein 8A; minus strand), LOC126805851 (MED14-independent group 3 enhancer GRCh37_chr1:145507474-145508673; plus strand). Cytogenetic location: 1q21.1.
Variant type: single nucleotide variant.
Coding change: c.68-3C>T on transcript NM_005105.5 (MANE Select); 3 bases into the intron before coding-DNA position 68, C replaced by T.
Molecular consequence: intron variant. On other transcripts: non-coding transcript variant (1).
Genome position (GRCh38, 1-based): chr1:145,927,080, G>A on the plus strand (C>T on the coding strand, the complement: RBM8A is on the minus strand). VCF-style: chr1-145927080-G-A. GRCh37 (hg19) VCF-style: chr1-145508013-C-T.
Identifiers: ClinVar variation 855599 (VCV000855599.11), dbSNP rs782317879, ClinGen allele CA1055250.